The following is an entry in ClinVar:

ClinVar aggregate classification (germline): Uncertain significance (1 of 4 stars; one submission).

Conditions:
Myasthenic syndrome, congenital, 22 (CMS22). Also called: PREPL DEFICIENCY. Identifiers: MedGen C4479088, MONDO:0044299, OMIM 616224.

Allele frequency attached by ClinVar (database versions not stated): gnomAD exomes below 0.00001; TOPMed below 0.00001; gnomAD 0.00001.
gnomAD v4.1: 2 of 1,596,136 alleles (0.00013%); highest among the groups gnomAD compares: South Asian, 0.0012%; no homozygotes.

Submissions (2):

Labcorp Genetics (formerly Invitae), Labcorp
Classification: Uncertain significance for Myasthenic syndrome, congenital, 22. Last evaluated: 2019-02-05. Review status: criteria provided, single submitter. Criteria: Invitae Variant Classification Sherloc (09022015). Collection method: clinical testing. Allele origin: germline.
Comment: In summary, the available evidence is currently insufficient to determine the role of this variant in disease. Therefore, it has been classified as a Variant of Uncertain Significance. Algorithms developed to predict the effect of sequence changes on RNA splicing suggest that this variant may disrupt the consensus splice site, but this prediction has not been confirmed by published transcriptional studies. Algorithms developed to predict the effect of missense changes on protein structure and function are either unavailable or do not agree on the potential impact of this missense change (SIFT: "Deleterious"; PolyPhen-2: "Benign"; Align-GVGD: "Class C0"). This variant has not been reported in the literature in individuals with PREPL-related conditions. This variant is not present in population databases (ExAC no frequency). This sequence change replaces valine with phenylalanine at codon 115 of the PREPL protein (p.Val115Phe). The valine residue is weakly conserved and there is a small physicochemical difference between valine and phenylalanine.

Dr. Peter K. Rogan Lab, Western University
No classification provided (evidence only). Condition: Lung cancer. Review status: no classification provided. Collection method: in vitro. Allele origin: not applicable. Functional consequence: skipped exon. Not counted in ClinVar's aggregate classification.

NM_001171613.2(PREPL):c.76G>T (p.Val26Phe)

Gene: PREPL (prolyl endopeptidase like; minus strand). Cytogenetic location: 2p21.
Variant type: single nucleotide variant.
Coding change: c.76G>T on transcript NM_001171613.2 (MANE Select); coding-DNA position 76, G replaced by T.
Protein change: p.Val26Phe; replaces valine 26 with phenylalanine.
Molecular consequence: missense variant.
Genome position (GRCh38, 1-based): chr2:44,344,586, C>A on the plus strand (G>T on the coding strand, the complement: PREPL is on the minus strand). VCF-style: chr2-44344586-C-A. GRCh37 (hg19) VCF-style: chr2-44571725-C-A.
Other names: c.343G>T, p.Val115Phe (NM_006036.4, NM_001042385.2, NM_001042386.2 and 4 more transcripts); c.76G>T, p.Val26Phe (NM_001171617.1, NM_001374277.1); short protein forms V115F, V26F.
Identifiers: ClinVar variation 863266 (VCV000863266.10), dbSNP rs1241633455, ClinGen allele CA346693834.